The following is an entry in ClinVar:

NM_004646.4(NPHS1):c.136G>T (p.Gly46Trp)

Genes: KIRREL2 (kirre like nephrin family adhesion molecule 2; plus strand), NPHS1 (NPHS1 adhesion molecule, nephrin; minus strand). Cytogenetic location: 19q13.12.
Variant type: single nucleotide variant.
Coding change: c.136G>T on transcript NM_004646.4 (MANE Select); coding-DNA position 136, G replaced by T.
Protein change: p.Gly46Trp; replaces glycine 46 with tryptophan.
Molecular consequence: missense variant.
Genome position (GRCh38, 1-based): chr19:35,851,595, C>A on the plus strand (G>T on the coding strand, the complement: NPHS1 is on the minus strand). VCF-style: chr19-35851595-C-A. GRCh37 (hg19) VCF-style: chr19-36342497-C-A.
Other names: short protein forms G46W.
Identifiers: ClinVar variation 3377291 (VCV003377291.1).

ClinVar aggregate classification (germline): Uncertain significance (1 of 4 stars; one submission).

Conditions:
Finnish congenital nephrotic syndrome (NPHS1). Also called: NEPHROTIC SYNDROME, TYPE 1. Identifiers: Orphanet 839, MedGen C0403399, MONDO:0009732, OMIM 256300.

gnomAD v4.1: 1 of 1,613,988 alleles (0.000062%); no homozygotes.

Submission:

Victorian Clinical Genetics Services, Murdoch Childrens Research Institute
Classification: Uncertain significance for Finnish congenital nephrotic syndrome. Last evaluated: 2024-10-09. Review status: criteria provided, single submitter. Criteria: ACMG Guidelines, 2015. Collection method: clinical testing. Allele origin: germline. Inheritance: Autosomal recessive inheritance. Affected: yes.
Comment: Based on the classification scheme VCGS_Germline_v1.3.4, this variant is classified as VUS-3A. Following criteria are met: 0102 - Loss of function is a known mechanism of disease in this gene and is associated with nephrotic syndrome, type 1 (MIM#256300). (I) 0106 - This gene is associated with autosomal recessive disease. (I) 0200 - Variant is predicted to result in a missense amino acid change from glycine to tryptophan. (I) 0251 - This variant is heterozygous. (I) 0301 - Variant is absent from gnomAD (both v2 and v3). (SP) 0501 - Missense variant consistently predicted to be damaging by multiple in silico tools or highly conserved with a major amino acid change. (SP) 0600 - Variant is located in the annotated immunoglobulin V-set domain (DECIPHER). (I) 0710 - Another missense variant comparable to the one identified in this case has inconclusive previous evidence for pathogenicity. An alternative change, p.(Gly46Glu), has been classified as a VUS by a clinical laboratory in ClinVar. (I) 0803 - This variant has limited previous evidence of pathogenicity in an unrelated individual. This variant, along with a second missense variant in NPHS1, have been reported as potentially pathogenic in an individual with nephrotic syndrome (PMID: 28117080). (SP) 0905 - No published segregation evidence has been identified for this variant. (I) 1007 - No published functional evidence has been identified for this variant. (I) 1208 - Inheritance information for this variant is not currently available in this individual. (I) Legend: (SP) - Supporting pathogenic, (I) - Information, (SB) - Supporting benign

Literature cited by the submitters: PubMed 28117080.